The following is an entry in ClinVar:

ClinVar aggregate classification (germline): Uncertain significance. Review status: criteria provided, multiple submitters, no conflicts (2 of 4 stars). 2 submissions from 2 submitters: Uncertain significance (2). Last evaluated 2023-09-04.

Conditions:
Dermatofibrosis lenticularis disseminata (BOS). Also called: DERMATOFIBROSIS LENTICULARIS DISSEMINATA WITH OSTEOPOIKILOSIS; DERMATOOSTEOPOIKILOSIS; OSTEOPATHIA CONDENSANS DISSEMINATA. Identifiers: Orphanet 1306, MedGen C0265514, MONDO:0008157, OMIM 166700.

Allele frequency attached by ClinVar (database versions not stated): 1000 Genomes Project 30x 0.00016.
gnomAD v4.1: 4 of 1,614,176 alleles (0.00025%); highest among the groups gnomAD compares: Non-Finnish European, 0.00034%; no homozygotes.

Submissions (2):

Labcorp Genetics (formerly Invitae), Labcorp
Classification: Uncertain significance. Last evaluated: 2023-09-04. Review status: criteria provided, single submitter. Criteria: Invitae Variant Classification Sherloc (09022015). Collection method: clinical testing. Allele origin: germline.
Comment: ClinVar contains an entry for this variant (Variation ID: 882675). Advanced modeling of protein sequence and biophysical properties (such as structural, functional, and spatial information, amino acid conservation, physicochemical variation, residue mobility, and thermodynamic stability) performed at Invitae indicates that this missense variant is not expected to disrupt LEMD3 protein function. In summary, the available evidence is currently insufficient to determine the role of this variant in disease. Therefore, it has been classified as a Variant of Uncertain Significance. This variant has not been reported in the literature in individuals affected with LEMD3-related conditions. This sequence change replaces proline, which is neutral and non-polar, with arginine, which is basic and polar, at codon 353 of the LEMD3 protein (p.Pro353Arg). This variant is not present in population databases (gnomAD no frequency).

Illumina Laboratory Services, Illumina
Classification: Uncertain significance for Dermatofibrosis lenticularis disseminata. Last evaluated: 2018-01-12. Review status: criteria provided, single submitter. Criteria: ICSL Variant Classification Criteria 13 December 2019. Collection method: clinical testing. Allele origin: germline.

NM_014319.5(LEMD3):c.1058C>G (p.Pro353Arg)

Gene: LEMD3 (LEM domain containing 3; plus strand). Cytogenetic location: 12q14.3.
Variant type: single nucleotide variant.
Coding change: c.1058C>G on transcript NM_014319.5 (MANE Select); coding-DNA position 1058, C replaced by G.
Protein change: p.Pro353Arg; replaces proline 353 with arginine.
Molecular consequence: missense variant.
Genome position (GRCh38, 1-based): chr12:65,170,654, C>G. VCF-style: chr12-65170654-C-G. GRCh37 (hg19) VCF-style: chr12-65564434-C-G.
Other names: c.1058C>G, p.Pro353Arg (NM_001167614.2); short protein forms P353R.
Identifiers: ClinVar variation 882675 (VCV000882675.7), dbSNP rs1868510817, ClinGen allele CA385674923.